The following is an entry in ClinVar:

ClinVar aggregate classification (germline): Uncertain significance (1 of 4 stars; one submission).

Allele frequency attached by ClinVar (database versions not stated): gnomAD exomes below 0.00001; ExAC 0.00001; TOPMed 0.00001.
gnomAD v4.1: 6 of 1,565,280 alleles (0.00038%); highest among the groups gnomAD compares: Admixed American, 0.0074%; no homozygotes.

Submission:

Labcorp Genetics (formerly Invitae), Labcorp
Classification: Uncertain significance. Last evaluated: 2022-11-01. Review status: criteria provided, single submitter. Criteria: Invitae Variant Classification Sherloc (09022015). Collection method: clinical testing. Allele origin: germline.
Comment: In summary, the available evidence is currently insufficient to determine the role of this variant in disease. Therefore, it has been classified as a Variant of Uncertain Significance. Advanced modeling of protein sequence and biophysical properties (such as structural, functional, and spatial information, amino acid conservation, physicochemical variation, residue mobility, and thermodynamic stability) performed at Invitae indicates that this missense variant is not expected to disrupt MAP3K20 protein function. This variant has not been reported in the literature in individuals affected with MAP3K20-related conditions. This variant is present in population databases (rs757432139, gnomAD 0.01%). This sequence change replaces glutamic acid, which is acidic and polar, with lysine, which is basic and polar, at codon 288 of the MAP3K20 protein (p.Glu288Lys).

NM_016653.3(MAP3K20):c.862G>A (p.Glu288Lys)

Genes: MAP3K20 (mitogen-activated protein kinase kinase kinase 20; plus strand), MAP3K20-AS1 (MAP3K20 antisense RNA 1; minus strand). Cytogenetic location: 2q31.1.
Variant type: single nucleotide variant.
Coding change: c.862G>A on transcript NM_016653.3 (MANE Select); coding-DNA position 862, G replaced by A.
Protein change: p.Glu288Lys; replaces glutamic acid 288 with lysine.
Molecular consequence: missense variant.
Genome position (GRCh38, 1-based): chr2:173,217,125, G>A. VCF-style: chr2-173217125-G-A. GRCh37 (hg19) VCF-style: chr2-174081853-G-A.
Other names: c.862G>A, p.Glu288Lys (NM_133646.3); short protein forms E288K.
Identifiers: ClinVar variation 2054769 (VCV002054769.4), dbSNP rs757432139, ClinGen allele CA1970578.